The following is an entry in ClinVar:

ClinVar aggregate classification (germline): Uncertain significance (1 of 4 stars; one submission).

Submission:

GeneDx
Classification: Uncertain significance. Last evaluated: 2023-04-18. Review status: criteria provided, single submitter. Criteria: GeneDx Variant Classification Process June 2021. Collection method: clinical testing. Allele origin: germline. Affected: yes.
Comment: Not observed at significant frequency in large population cohorts (gnomAD); In silico analysis supports that this missense variant has a deleterious effect on protein structure/function; Has not been previously published as pathogenic or benign to our knowledge

NM_181672.3(OGT):c.755T>A (p.Leu252Gln)

Gene: OGT (O-linked N-acetylglucosamine (GlcNAc) transferase; plus strand). Cytogenetic location: Xq13.1.
Variant type: single nucleotide variant.
Coding change: c.755T>A on transcript NM_181672.3 (MANE Select); coding-DNA position 755, T replaced by A.
Protein change: p.Leu252Gln; replaces leucine 252 with glutamine.
Molecular consequence: missense variant.
Genome position (GRCh38, 1-based): chrX:71,555,216, T>A. VCF-style: chrX-71555216-T-A. GRCh37 (hg19) VCF-style: chrX-70775066-T-A.
Other names: c.725T>A, p.Leu242Gln (NM_181673.3); short protein forms L242Q, L252Q.
Identifiers: ClinVar variation 3253193 (VCV003253193.1), dbSNP rs2522841515.